The following is an entry in ClinVar:

ClinVar aggregate classification (germline): Uncertain significance (1 of 4 stars; one submission).

Submission:

GeneDx
Classification: Uncertain significance. Last evaluated: 2025-04-24. Review status: criteria provided, single submitter. Criteria: GeneDx Variant Classification Process June 2021. Collection method: clinical testing. Allele origin: germline. Affected: yes.
Comment: Not observed at significant frequency in large population cohorts (gnomAD); In silico analysis supports that this missense variant has a deleterious effect on protein structure/function; Has not been previously published as pathogenic or benign to our knowledge

NM_000540.3(RYR1):c.2780C>A (p.Thr927Lys)

Gene: RYR1 (ryanodine receptor 1; plus strand). Cytogenetic location: 19q13.2.
Variant type: single nucleotide variant.
Coding change: c.2780C>A on transcript NM_000540.3 (MANE Select); coding-DNA position 2780, C replaced by A.
Protein change: p.Thr927Lys; replaces threonine 927 with lysine.
Molecular consequence: missense variant.
Genome position (GRCh38, 1-based): chr19:38,463,844, C>A. VCF-style: chr19-38463844-C-A. GRCh37 (hg19) VCF-style: chr19-38954484-C-A.
Other names: c.2780C>A, p.Thr927Lys (NM_001042723.2); short protein forms T927K.
Identifiers: ClinVar variation 4527382 (VCV004527382.1).
Genomic context (GRCh38, chr19:38,463,844, plus strand): 5'-TGGACTTCCACAGCCTTCCAGAGCCTGAGAGGAACTACAACCTGCAGATGTCTGGGGAGA[C>A]GCTCAAGTGAGGGCCCAGGGGAGCCGGGGGTTGGGGCTGGCTGCTGGTGCGGTGGGGGAG-3'
Protein context (NP_000531.2, residues 917-937): RNYNLQMSGE[Thr927Lys]LKTLLALGCH